The following is an entry in ClinVar:

ClinVar aggregate classification (germline): Likely benign (1 of 4 stars; one submission).

Submission:

CeGaT Center for Human Genetics Tuebingen
Classification: Likely benign. Last evaluated: 2025-06-01. Review status: criteria provided, single submitter. Criteria: CeGaT Center For Human Genetics Tuebingen Variant Classification Criteria Version 2. Collection method: clinical testing. Allele origin: germline. Affected: yes. Observed: 1 variant allele.
Comment: MYH2: BP4, BP7

NM_017534.6(MYH2):c.1728C>T (p.Ala576=)

Genes: MYH2 (myosin heavy chain 2; minus strand), MYHAS (myosin heavy chain gene cluster antisense RNA; plus strand). Cytogenetic location: 17p13.1.
Variant type: single nucleotide variant.
Coding change: c.1728C>T on transcript NM_017534.6 (MANE Select); coding-DNA position 1728, C replaced by T.
Protein change: p.Ala576=; no amino-acid change (alanine 576 retained).
Molecular consequence: synonymous variant.
Genome position (GRCh38, 1-based): chr17:10,537,402, G>A on the plus strand (C>T on the coding strand, the complement: MYH2 is on the minus strand). VCF-style: chr17-10537402-G-A. GRCh37 (hg19) VCF-style: chr17-10440719-G-A.
Other names: c.1728C>T, p.Ala576= (NM_001100112.2).
Identifiers: ClinVar variation 4084299 (VCV004084299.8).